The following is an entry in ClinVar:

NM_000038.6(APC):c.7138A>C (p.Lys2380Gln)

Gene: APC (APC regulator of Wnt signaling pathway; plus strand). Cytogenetic location: 5q22.2.
Variant type: single nucleotide variant.
Coding change: c.7138A>C on transcript NM_000038.6 (MANE Select); coding-DNA position 7138, A replaced by C.
Protein change: p.Lys2380Gln; replaces lysine 2380 with glutamine.
Molecular consequence: missense variant.
Genome position (GRCh38, 1-based): chr5:112,842,732, A>C. VCF-style: chr5-112842732-A-C. GRCh37 (hg19) VCF-style: chr5-112178429-A-C.
Other names: c.7138A>C, p.Lys2380Gln (NM_001127510.3, NM_001354895.2); c.7084A>C, p.Lys2362Gln (NM_001127511.3); c.7192A>C, p.Lys2398Gln (NM_001354896.2); c.7168A>C, p.Lys2390Gln (NM_001354897.2); c.7063A>C, p.Lys2355Gln (NM_001354898.2); c.7054A>C, p.Lys2352Gln (NM_001354899.2); c.7015A>C, p.Lys2339Gln (NM_001354900.2); c.6961A>C, p.Lys2321Gln (NM_001354901.2); and 5 more; short protein forms K2380Q, K2362Q, K2289Q, K2097Q, K2220Q, K2398Q, K2321Q, K2339Q.
Identifiers: ClinVar variation 486764 (VCV000486764.14), dbSNP rs1554088069, ClinGen allele CA16036874.

ClinVar aggregate classification (germline): Uncertain significance. Review status: criteria provided, multiple submitters, no conflicts (2 of 4 stars). 2 submissions from 2 submitters: Uncertain significance (2). Last evaluated 2025-11-05.

Conditions:
Hereditary cancer-predisposing syndrome. Also called: Tumor predisposition; Hereditary Cancer Syndrome; Hereditary neoplastic syndrome; Neoplastic Syndromes, Hereditary. Identifiers: Orphanet 140162, MedGen C0027672, MeSH D009386, MONDO:0015356.
Familial adenomatous polyposis 1 (FAP1). Also called: FAMILIAL ADENOMATOUS POLYPOSIS 1, ATTENUATED; POLYPOSIS, ADENOMATOUS INTESTINAL. Identifiers: MedGen C2713442, MONDO:0021056, OMIM 175100. Disease mechanism: loss of function.

Submissions (2):

Labcorp Genetics (formerly Invitae), Labcorp
Classification: Uncertain significance for Familial adenomatous polyposis 1. Last evaluated: 2025-11-05. Review status: criteria provided, single submitter. Criteria: Invitae Variant Classification Sherloc (09022015). Collection method: clinical testing. Allele origin: germline.
Comment: This sequence change replaces lysine, which is basic and polar, with glutamine, which is neutral and polar, at codon 2380 of the APC protein (p.Lys2380Gln). This variant is not present in population databases (gnomAD no frequency). This variant has not been reported in the literature in individuals affected with APC-related conditions. ClinVar contains an entry for this variant (Variation ID: 486764). Invitae Evidence Modeling of protein sequence and biophysical properties (such as structural, functional, and spatial information, amino acid conservation, physicochemical variation, residue mobility, and thermodynamic stability) indicates that this missense variant is not expected to disrupt APC protein function with a negative predictive value of 95%. In summary, the available evidence is currently insufficient to determine the role of this variant in disease. Therefore, it has been classified as a Variant of Uncertain Significance.

Ambry Genetics
Classification: Uncertain significance for Hereditary cancer-predisposing syndrome. Last evaluated: 2020-06-16. Review status: criteria provided, single submitter. Criteria: Ambry Variant Classification Scheme 2023. Collection method: clinical testing. Allele origin: germline.
Comment: The p.K2380Q variant (also known as c.7138A>C), located in coding exon 15 of the APC gene, results from an A to C substitution at nucleotide position 7138. The lysine at codon 2380 is replaced by glutamine, an amino acid with similar properties. This amino acid position is highly conserved in available vertebrate species. In addition, in silico predictors for this gene do not accurately predict pathogenicity. Since supporting evidence is limited at this time, the clinical significance of this alteration remains unclear.